The following is an entry in ClinVar:

ClinVar aggregate classification (germline): Pathogenic (1 of 4 stars; one submission).

Submission:

GeneDx
Classification: Pathogenic. Last evaluated: 2016-12-05. Review status: criteria provided, single submitter. Criteria: GeneDx Variant Classification (06012015). Collection method: clinical testing. Allele origin: germline. Affected: yes.
Comment: This deletion of one nucleotide is denoted APC c.2853delT at the cDNA level and p.Tyr951Ter (Y951X) at the protein level. The normal sequence, with the base that is deleted in brackets, is CTTA[delT]GCCA. The deletion creates a nonsense variant, which changes a Tyrosine to a premature stop codon. This variant is predicted to cause loss of normal protein function through protein truncation. While APC c.2853delT has not been reported in the literature, two missense variants located at the same nucleotide position, APC c. 2853T>G and APC c.2853T>A, that result in the same premature stop codon, p.Tyr951Ter, have been identified in at least three individuals reported to have Familial Adenomatous Polyposis (Friedl 2005, Plawski 2008). This variant is considered pathogenic.

NM_000038.6(APC):c.2853del (p.Pro950_Tyr951insTer)

Gene: APC (APC regulator of WNT signaling pathway; plus strand). Cytogenetic location: 5q22.2.
Variant type: Deletion.
Coding change: c.2853del on transcript NM_000038.6 (MANE Select); coding-DNA position 2853, one base deleted (T; older notation c.2853delT).
Protein change: p.Pro950_Tyr951insTer.
Molecular consequence: nonsense.
Genome position (GRCh38, 1-based): chr5:112,838,447, T deleted. VCF-style (leftmost placement, unchanged base first): chr5-112838446-AT-A. GRCh37 (hg19) VCF-style: chr5-112174143-AT-A.
Other names: c.2853del, p.Pro950_Tyr951insTer (NM_001127510.3, NM_001354895.2); c.2799del, p.Pro932_Tyr933insTer (NM_001127511.3); c.2907del, p.Pro968_Tyr969insTer (NM_001354896.2); c.2883del, p.Pro960_Tyr961insTer (NM_001354897.2); c.2778del, p.Pro925_Tyr926insTer (NM_001354898.2); c.2769del, p.Pro922_Tyr923insTer (NM_001354899.2); c.2730del, p.Pro909_Tyr910insTer (NM_001354900.2); c.2676del, p.Pro891_Tyr892insTer (NM_001354901.2); and 5 more.
Identifiers: ClinVar variation 546047 (VCV000546047.2), dbSNP rs1554084541, ClinGen allele CA658822400.